The following is an entry in ClinVar:

NM_012448.4(STAT5B):c.451C>G (p.Leu151Val)

Gene: STAT5B (signal transducer and activator of transcription 5B; minus strand). Cytogenetic location: 17q21.2.
Variant type: single nucleotide variant.
Coding change: c.451C>G on transcript NM_012448.4 (MANE Select); coding-DNA position 451, C replaced by G.
Protein change: p.Leu151Val; replaces leucine 151 with valine.
Molecular consequence: missense variant.
Genome position (GRCh38, 1-based): chr17:42,223,481, G>C on the plus strand (C>G on the coding strand, the complement: STAT5B is on the minus strand). VCF-style: chr17-42223481-G-C. GRCh37 (hg19) VCF-style: chr17-40375499-G-C.
Other names: short protein forms L151V.
Identifiers: ClinVar variation 4883417 (VCV004883417.2).
Genomic context (GRCh38, chr17:42,223,481, plus strand): 5'-ACTCCTGAGTCTGCTGCAGCTTTTTTAACTCATTCTCTGTGTCCTGCGTGACCAGTCGCA[G>C]CTCCTCAAACGTCTGGTTGATCTGGAGGTGTTTCTGGGACATGGCATCAGCAAGGCTTCC-3'
Protein context (NP_036580.2, residues 141-161): HLQINQTFEE[Leu151Val]RLVTQDTENE

ClinVar aggregate classification (germline): Uncertain significance (1 of 4 stars; one submission).

gnomAD v4.1: 1 of 1,614,174 alleles (0.000062%); highest among the groups gnomAD compares: Non-Finnish European, 0.000085%; no homozygotes.

Submission:

Dasa
Classification: Uncertain significance. Last evaluated: 2025-02-06. Review status: criteria provided, single submitter. Criteria: DASA Assertion Criteria. Collection method: clinical testing. Allele origin: germline.
Comment: NM_012448.4(STAT5B):c.451C>G (p.Leu151Val) is a missense variant that results in the substitution of leucine with valine. This variant is rare in population databases. Computational prediction algorithms are consistent with a benign effect. The currently available literature and clinical evidence are not sufficient to establish a definitive association between this variant and the reported condition. Therefore, this variant is classified as a variant of uncertain significance.